The following is an entry in ClinVar:

ClinVar aggregate classification (germline): Pathogenic (1 of 4 stars; one submission).

Conditions:
Granulomatous disease, chronic, X-linked. Also called: CYTOCHROME b-NEGATIVE GRANULOMATOUS DISEASE, CHRONIC, X-LINKED; GRANULOMATOUS DISEASE, CHRONIC, X-LINKED, SOMATIC MOSAIC. Identifiers: Orphanet 379, MedGen C1844376, MONDO:0010600, OMIM 306400.

Submission:

Labcorp Genetics (formerly Invitae), Labcorp
Classification: Pathogenic for Granulomatous disease, chronic, X-linked. Last evaluated: 2022-02-05. Review status: criteria provided, single submitter. Criteria: Invitae Variant Classification Sherloc (09022015). Collection method: clinical testing. Allele origin: germline.
Comment: For these reasons, this variant has been classified as Pathogenic. Algorithms developed to predict the effect of sequence changes on RNA splicing suggest that this variant may create or strengthen a splice site. This premature translational stop signal has been observed in individual(s) with chronic granulomatous disease (PMID: 30716179). This variant is not present in population databases (gnomAD no frequency). This sequence change creates a premature translational stop signal (p.Tyr41*) in the CYBB gene. It is expected to result in an absent or disrupted protein product. Loss-of-function variants in CYBB are known to be pathogenic (PMID: 9585602, 20729109).

Literature cited by the submitters: PubMed 30716179; PubMed 9585602; PubMed 20729109.

NM_000397.4(CYBB):c.123C>G (p.Tyr41Ter)

Gene: CYBB (cytochrome b-245 beta chain; plus strand). Cytogenetic location: Xp21.1.
Variant type: single nucleotide variant.
Coding change: c.123C>G on transcript NM_000397.4 (MANE Select); coding-DNA position 123, C replaced by G.
Protein change: p.Tyr41Ter; replaces tyrosine 41 with a stop codon.
Molecular consequence: nonsense.
Genome position (GRCh38, 1-based): chrX:37,782,165, C>G. VCF-style: chrX-37782165-C-G. GRCh37 (hg19) VCF-style: chrX-37641418-C-G.
Other names: short protein forms Y41*.
Identifiers: ClinVar variation 1372263 (VCV001372263.11), dbSNP rs1928965653, ClinGen allele CA412972643.